The following is an entry in ClinVar:

ClinVar aggregate classification (germline): Uncertain significance (1 of 4 stars; one submission).

Submission:

Greenwood Genetic Center Diagnostic Laboratories, Greenwood Genetic Center
Classification: Uncertain significance. Last evaluated: 2023-10-17. Review status: criteria provided, single submitter. Criteria: ACMG Guidelines, 2015. Collection method: clinical testing. Allele origin: germline. Affected: yes.
Comment: Gene of Uncertain Significance

NM_002705.5(PPL):c.3519G>T (p.Lys1173Asn)

Gene: PPL (periplakin; minus strand). Cytogenetic location: 16p13.3.
Variant type: single nucleotide variant.
Coding change: c.3519G>T on transcript NM_002705.5 (MANE Select); coding-DNA position 3519, G replaced by T.
Protein change: p.Lys1173Asn; replaces lysine 1173 with asparagine.
Molecular consequence: missense variant.
Genome position (GRCh38, 1-based): chr16:4,885,136, C>A on the plus strand (G>T on the coding strand, the complement: PPL is on the minus strand). VCF-style: chr16-4885136-C-A. GRCh37 (hg19) VCF-style: chr16-4935137-C-A.
Other names: short protein forms K1173N.
Identifiers: ClinVar variation 2692557 (VCV002692557.1), dbSNP rs1172697460, ClinGen allele CA394640181.